The following is an entry in ClinVar:

NM_001326342.2(CELF2):c.905C>A (p.Thr302Asn)

Gene: CELF2 (CUGBP Elav-like family member 2; plus strand). Cytogenetic location: 10p14.
Variant type: single nucleotide variant.
Coding change: c.905C>A on transcript NM_001326342.2 (MANE Select); coding-DNA position 905, C replaced by A.
Protein change: p.Thr302Asn; replaces threonine 302 with asparagine.
Molecular consequence: missense variant.
Genome position (GRCh38, 1-based): chr10:11,288,481, C>A. VCF-style: chr10-11288481-C-A. GRCh37 (hg19) VCF-style: chr10-11330444-C-A.
Other names: c.884C>A, p.Thr295Asn (NM_001394502.1, NM_001025077.3, NM_001326331.2 and 4 more transcripts); c.905C>A, p.Thr302Asn (NM_001394513.1, NM_001394518.1, NM_001394519.1 and 4 more transcripts); c.812C>A, p.Thr271Asn (NM_001394517.1, NM_001326344.2, NM_001326345.2 and 15 more transcripts); c.200C>A, p.Thr67Asn (NM_001326346.2, NM_001326333.2); c.836C>A, p.Thr279Asn (NM_001326347.1); c.977C>A, p.Thr326Asn (NM_001326325.2); c.920C>A, p.Thr307Asn (NM_001326326.2, NM_001326327.2); c.551C>A, p.Thr184Asn (NM_001326338.2, NM_001326339.2); short protein forms T184N, T271N, T279N, T295N, T302N, T307N, T326N, T67N.
Identifiers: ClinVar variation 5037257 (VCV005037257.1).
Genomic context (GRCh38, chr10:11,288,481, plus strand): 5'-TGAATGCTTTACAGTTGCAGAACCTGGCGACGCTGGCTGCTGCTGCAGCTGCGGCCCAGA[C>A]CTCAGCCACCAGCACCAATGCAAACCCTCTCTCTACCACGAGCAGCGCCCTGGGAGCCCT-3'
Protein context (NP_001313271.1, residues 292-312): TLAAAAAAAQ[Thr302Asn]SATSTNANPL

ClinVar aggregate classification (germline): Uncertain significance (1 of 4 stars; one submission).

Submission:

GeneDx
Classification: Uncertain significance. Last evaluated: 2026-04-15. Review status: criteria provided, single submitter. Criteria: GeneDx Variant Classification Process June 2021. Collection method: clinical testing. Allele origin: germline.
Comment: Not observed at significant frequency in large population cohorts (gnomAD); In silico analysis suggests that this missense variant does not alter protein structure/function; Has not been previously published as pathogenic or benign to our knowledge